The following is an entry in ClinVar:

NM_000444.6(PHEX):c.2002_2006dup (p.Glu669fs)

Genes: PHEX (phosphate regulating endopeptidase X-linked; plus strand), PTCHD1-AS (PTCHD1 and PHEX antisense RNA; minus strand). Cytogenetic location: Xp22.11.
Variant type: Duplication.
Coding change: c.2002_2006dup on transcript NM_000444.6 (MANE Select); coding-DNA positions 2002 to 2006, 5 bases duplicated (CTTGA; older notation c.2002_2006dupCTTGA).
Protein change: p.Glu669fs; shifts the reading frame from glutamic acid 669.
Molecular consequence: frameshift variant. On other transcripts: non-coding transcript variant (1).
Genome position (GRCh38, 1-based): chrX:22,227,543-22,227,547, CTTGA duplicated; duplicating any 5 consecutive bases within chrX:22,227,541-22,227,547 gives the same sequence; the c. name uses the placement nearest the transcript's 3' end. VCF-style (leftmost placement, unchanged base first): chrX-22227540-G-GGACTT. GRCh37 (hg19) VCF-style: chrX-22245657-G-GGACTT.
Other names: c.2002_2006dup, p.Glu669fs (NM_001282754.2); short protein forms E669fs.
Identifiers: ClinVar variation 2737127 (VCV002737127.4), dbSNP rs2518676673, ClinGen allele CA2695231813.
Genomic context (GRCh38, chrX:22,227,540, plus strand): 5'-ACTCATCTCTTCTTCTTCTCTCACCAGGCTTACAGGAAATGGATAAATGACAGAAGGCAG[G>GGACTT]GACTTGAGGAGCCTCTTCTACCAGGCATCACATTCACCAACAACCAGCTCTTCTTCCTGA-3'

ClinVar aggregate classification (germline): Pathogenic. Review status: criteria provided, multiple submitters, no conflicts (2 of 4 stars). 2 submissions from 2 submitters: Pathogenic (2). Last evaluated 2023-12-21.

Conditions:
PHEX-related disorder. Also called: PHEX-related condition.

Submissions (2):

Blueprint Genetics
Classification: Pathogenic for PHEX-related disorders. Last evaluated: 2023-12-21. Review status: criteria provided, single submitter. Criteria: ACMG Guidelines, 2015. Collection method: clinical testing. Allele origin: germline. Affected: yes. Observed: 1 variant allele.

Labcorp Genetics (formerly Invitae), Labcorp
Classification: Pathogenic. Last evaluated: 2023-01-01. Review status: criteria provided, single submitter. Criteria: Invitae Variant Classification Sherloc (09022015). Collection method: clinical testing. Allele origin: germline.
Comment: For these reasons, this variant has been classified as Pathogenic. This premature translational stop signal has been observed in individual(s) with hypophosphatemic rickets (PMID: 22101457, 30682568, 32253725, 34141703). This variant is not present in population databases (gnomAD no frequency). This sequence change creates a premature translational stop signal (p.Glu669Aspfs*20) in the PHEX gene. It is expected to result in an absent or disrupted protein product. Loss-of-function variants in PHEX are known to be pathogenic (PMID: 9097956, 9106524, 19219621).

Literature cited by the submitters: PubMed 22101457 (cited by Labcorp Genetics (formerly Invitae), Labcorp); PubMed 30682568 (cited by Labcorp Genetics (formerly Invitae), Labcorp); PubMed 32253725 (cited by Labcorp Genetics (formerly Invitae), Labcorp); PubMed 34141703 (cited by Labcorp Genetics (formerly Invitae), Labcorp); PubMed 9097956 (cited by Labcorp Genetics (formerly Invitae), Labcorp); PubMed 9106524 (cited by Labcorp Genetics (formerly Invitae), Labcorp); PubMed 19219621 (cited by Labcorp Genetics (formerly Invitae), Labcorp).